The following is an entry in ClinVar:

NC_000016.9:g.(364684_396147)_(402724_?)dup

Gene: AXIN1 (axin 1; minus strand). Cytogenetic location: 16p13.3.
Variant type: Duplication.
Identifiers: ClinVar variation 4848519 (VCV004848519.1).

ClinVar aggregate classification (germline): Uncertain significance (1 of 4 stars; one submission).

Submission:

Women's Health and Genetics/Laboratory Corporation of America, LabCorp
Classification: Uncertain significance. Last evaluated: 2026-04-15. Review status: criteria provided, single submitter. Criteria: LabCorp Variant Classification Summary - May 2015. Collection method: clinical testing. Allele origin: germline.
Comment: Variant summary: The variant involves the duplication of exons 1-2 in the AXIN1 gene. A presumed nomenclature of c.(?_-437)_(878+1_879-1)dup has been designated for the purposes of this classification. The exact breakpoint at the 5' end of this variant is unknown, therefore this duplication may extend upstream of the annotated region of this gene. It is predicted to duplicate a segment including the initiation codon, therefore its impact on the encoded protein is unknown. The variant was absent in 21694 control chromosomes (gnomAD SV database). The available data on variant occurrences in the general population are insufficient to allow any conclusion about variant significance. To our knowledge, no occurrence of c.(?_-437)_(878+1_879-1)dup in individuals affected with AXIN1-related conditions and no experimental evidence demonstrating its impact on protein function have been reported. No submitters have cited clinical-significance assessments for this variant to ClinVar. Based on the evidence outlined above, the variant was classified as uncertain significance.